The following is an entry in ClinVar:

ClinVar aggregate classification (germline): Uncertain significance. Review status: criteria provided, multiple submitters, no conflicts (2 of 4 stars). 2 submissions from 2 submitters: Uncertain significance (2). Last evaluated 2023-02-20.

Conditions:
MSH6-related disorder. Also called: MSH6-related condition; MSH6-Related disorders.
Hereditary cancer-predisposing syndrome. Also called: Neoplastic Syndromes, Hereditary; Tumor predisposition; Hereditary neoplastic syndrome; Hereditary Cancer Syndrome. Identifiers: Orphanet 140162, MedGen C0027672, MeSH D009386, MONDO:0015356.

Submissions (2):

PreventionGenetics, part of Exact Sciences
Classification: Uncertain significance for MSH6-related condition. Last evaluated: 2023-02-20. Review status: criteria provided, single submitter. Criteria: ACMG Guidelines, 2015. Collection method: clinical testing. Allele origin: germline.
Comment: The MSH6 c.420G>C variant is predicted to result in the amino acid substitution p.Arg140Ser. To our knowledge, this variant has not been reported in the literature or in a large population database, indicating this variant is rare. It is interpreted as uncertain significance in ClinVar. At this time, the clinical significance of this variant is uncertain due to the absence of conclusive functional and genetic evidence.

Ambry Genetics
Classification: Uncertain significance for Hereditary cancer-predisposing syndrome. Last evaluated: 2018-09-14. Review status: criteria provided, single submitter. Criteria: Ambry Variant Classification Scheme 2023. Collection method: clinical testing. Allele origin: germline.
Comment: The p.R140S variant (also known as c.420G>C), located in coding exon 2 of the MSH6 gene, results from a G to C substitution at nucleotide position 420. The arginine at codon 140 is replaced by serine, an amino acid with dissimilar properties. This amino acid position is highly conserved in available vertebrate species. In addition, this alteration is predicted to be deleterious by in silico analysis. In addition, the CoDP in silico tool predicts this alteration to have minor impact on molecular function, with a score of 0.214 (Terui H et al. J. Biomed. Sci. 2013 Apr;20:25). Since supporting evidence is limited at this time, the clinical significance of this alteration remains unclear.

NM_000179.3(MSH6):c.420G>C (p.Arg140Ser)

Gene: MSH6 (mutS homolog 6; plus strand). Cytogenetic location: 2p16.3.
Variant type: single nucleotide variant.
Coding change: c.420G>C on transcript NM_000179.3 (MANE Select); coding-DNA position 420, G replaced by C.
Protein change: p.Arg140Ser; replaces arginine 140 with serine.
Molecular consequence: missense variant. On other transcripts: 5 prime UTR variant (2), intron variant (1).
Genome position (GRCh38, 1-based): chr2:47,791,086, G>C. VCF-style: chr2-47791086-G-C. GRCh37 (hg19) VCF-style: chr2-48018225-G-C.
Other names: c.-317G>C (NM_001281493.2); c.-483G>C (NM_001281494.2); c.238-7525G>C (NM_001281492.2); short protein forms R140S.
Identifiers: ClinVar variation 824682 (VCV000824682.5), dbSNP rs1553410345, ClinGen allele CA346737132.